The following is an entry in ClinVar:

NM_000388.4(CASR):c.260T>C (p.Leu87Pro)

Gene: CASR (calcium sensing receptor; plus strand). Cytogenetic location: 3q21.1.
Variant type: single nucleotide variant.
Coding change: c.260T>C on transcript NM_000388.4 (MANE Select); coding-DNA position 260, T replaced by C.
Protein change: p.Leu87Pro; replaces leucine 87 with proline.
Molecular consequence: missense variant.
Genome position (GRCh38, 1-based): chr3:122,257,155, T>C. VCF-style: chr3-122257155-T-C. GRCh37 (hg19) VCF-style: chr3-121976002-T-C.
Other names: c.260T>C, p.Leu87Pro (NM_001178065.2); short protein forms L87P.
Identifiers: ClinVar variation 4792855 (VCV004792855.3).

ClinVar aggregate classification (germline): Conflicting classifications of pathogenicity. Review status: criteria provided, conflicting classifications (1 of 4 stars). 3 submissions from 3 submitters: Likely pathogenic (1); Uncertain significance (1). 1 of the submissions does not count toward it. Last evaluated 2026-01-26.

Conditions:
Familial hyperparathyroidism or Hypocalciuric hypercalcaemia.
Familial hypocalciuric hypercalcemia 1. Also called: Hypercalcemia, familial benign type 1. Identifiers: Orphanet 405, Orphanet 93372, MedGen C0342637, MONDO:0007791, OMIM 145980.
Autosomal dominant hypocalcemia 1 (HYPOC1). Also called: HYPOCALCEMIA, FAMILIAL. Identifiers: MedGen C3715128, MONDO:0011013, OMIM 601198.
Familial hypocalciuric hypercalcemia (FHH). Also called: Familial benign hypercalcemia. Identifiers: Orphanet 405, MedGen C1809471, MONDO:0018458.

gnomAD v4.1: 1 of 1,614,170 alleles (0.000062%); highest among the groups gnomAD compares: Non-Finnish European, 0.000085%; no homozygotes.

Submissions (3):

Cambridge Genomics Laboratory, East Genomic Laboratory Hub, NHS Genomic Medicine Service
Classification: Likely pathogenic for Familial hyperparathyroidism or Hypocalciuric hypercalcaemia. Last evaluated: 2026-01-26. Review status: criteria provided, single submitter. Criteria: ACGS Best Practice Guidelines for Variant Classification in Rare Disease 2020. Collection method: clinical testing. Allele origin: germline. Affected: yes.
Comment: PS4_Moderate,PM1,PM2,PM3,PP3,BS3

Labcorp Genetics (formerly Invitae), Labcorp
Classification: Uncertain significance for Familial hypocalciuric hypercalcemia; Autosomal dominant hypocalcemia 1. Last evaluated: 2025-08-02. Review status: criteria provided, single submitter. Criteria: Invitae Variant Classification Sherloc (09022015). Collection method: clinical testing. Allele origin: germline.
Comment: This sequence change replaces leucine, which is neutral and non-polar, with proline, which is neutral and non-polar, at codon 87 of the CASR protein (p.Leu87Pro). This variant is present in population databases (no rsID available, gnomAD 0.0009%). This variant has not been reported in the literature in individuals affected with CASR-related conditions. An algorithm developed to predict the effect of missense changes on protein structure and function (PolyPhen-2) suggests that this variant is likely to be disruptive. In summary, the available evidence is currently insufficient to determine the role of this variant in disease. Therefore, it has been classified as a Variant of Uncertain Significance.

Cardiovascular Genetics Laboratory, PathWest Laboratory Medicine WA - Fiona Stanley Hospital
Classification: Uncertain significance for Familial hypocalciuric hypercalcemia 1. Last evaluated: 2023-11-21. Review status: no assertion criteria provided. Criteria: ACMG Guidelines, 2015. Collection method: clinical testing. Allele origin: germline. Affected: yes. Not counted in ClinVar's aggregate classification.